The following is an entry in ClinVar:

ClinVar aggregate classification (germline): Pathogenic. Review status: criteria provided, multiple submitters, no conflicts (2 of 4 stars). 7 submissions from 7 submitters: Pathogenic (5). 2 of the submissions do not count toward it. Last evaluated 2025-09-02.

Conditions:
SETX-related disorder. Also called: SETX-related condition; SETX-related disorders. Identifiers: MedGen CN239403.
Spinocerebellar ataxia, autosomal recessive, with axonal neuropathy 2 (SCAN2). Also called: Ataxia with Oculomotor Apraxia; ATAXIA-OCULOMOTOR APRAXIA 2; Ataxia with Oculomotor Apraxia Type 2; Ataxia-ocular apraxia-2. Identifiers: Orphanet 64753, MedGen C1853761, MONDO:0018996, OMIM 606002.

Allele frequency attached by ClinVar (database versions not stated): ExAC 0.00001; gnomAD 0.00002 and 0.00003; gnomAD exomes 0.00002 and 0.00003; TOPMed 0.00002.
gnomAD v4.1: 19 of 1,614,038 alleles (0.0012%); highest among the groups gnomAD compares: African/African-American, 0.0027%; no homozygotes.

Submissions (7):

Women's Health and Genetics/Laboratory Corporation of America, LabCorp
Classification: Pathogenic for Spinocerebellar ataxia, autosomal recessive, with axonal neuropathy 2. Last evaluated: 2025-09-02. Review status: criteria provided, single submitter. Criteria: LabCorp Variant Classification Summary - May 2015. Collection method: clinical testing. Allele origin: germline.
Comment: Variant summary: SETX c.5927T>G (p.Leu1976Arg) results in a non-conservative amino acid change in the encoded protein sequence. Algorithms developed to predict the effect of missense changes on protein structure and function all suggest that this variant is likely to be disruptive. The variant allele was found at a frequency of 1.6e-05 in 251446 control chromosomes (gnomAD). c.5927T>G has been observed in multiple individuals affected with Spinocerebellar ataxia, autosomal recessive, with axonal neuropathy 2 (Duquette_2005). These data indicate that the variant is very likely to be associated with disease. At least one publication reports experimental evidence evaluating an impact on protein function and this variant affected the SETX protein function (Chen_2014). The following publications have been ascertained in the context of this evaluation (PMID: 25116135, 15732101). ClinVar contains an entry for this variant (Variation ID: 2292). Based on the evidence outlined above, the variant was classified as pathogenic.

Athena Diagnostics
Classification: Pathogenic. Last evaluated: 2025-03-12. Review status: criteria provided, single submitter. Criteria: Athena Diagnostics Criteria. Collection method: clinical testing. Allele origin: unknown.
Comment: The frequency of this variant in the general population is consistent with pathogenicity. In multiple individuals with ataxia, this variant has been seen with a single recessive pathogenic variant in the same gene, suggesting this variant may also be pathogenic. Assessment of experimental evidence suggests this variant results in abnormal protein function. (PMID: 25116135)

Blueprint Genetics
Classification: Pathogenic for SETX-related disorders. Last evaluated: 2023-09-12. Review status: criteria provided, single submitter. Criteria: ACMG Guidelines, 2015. Collection method: clinical testing. Allele origin: germline. Affected: yes. Observed: 5 variant alleles.

GeneDx
Classification: Pathogenic. Last evaluated: 2022-04-28. Review status: criteria provided, single submitter. Criteria: GeneDx Variant Classification Process June 2021. Collection method: clinical testing. Allele origin: germline. Affected: yes.
Comment: Not observed at significant frequency in large population cohorts (gnomAD); In silico analysis supports that this missense variant has a deleterious effect on protein structure/function; This variant is associated with the following publications: (PMID: 25116135, 17159128, 23129421, 33333218, 33397523, 20301333, 19697368, 17720498, 15732101)

Revvity Omics, Revvity
Classification: Pathogenic. Last evaluated: 2021-10-19. Review status: criteria provided, single submitter. Criteria: ACMG Guidelines, 2015. Collection method: clinical testing. Allele origin: germline.

OMIM
Classification: Pathogenic for SPINOCEREBELLAR ATAXIA, AUTOSOMAL RECESSIVE, WITH AXONAL NEUROPATHY 2. Last evaluated: 2006-12-12. Review status: no assertion criteria provided. Collection method: literature only. Allele origin: germline. Not counted in ClinVar's aggregate classification.

GeneReviews
No classification provided. Condition: Spinocerebellar ataxia, autosomal recessive, with axonal neuropathy 2. Review status: no classification provided. Collection method: literature only. Allele origin: germline. Not counted in ClinVar's aggregate classification.

Literature cited by the submitters: PubMed 25116135 (cited by Women's Health and Genetics/Laboratory Corporation of America, LabCorp and Athena Diagnostics); PubMed 15732101 (cited by 3 submitters); PubMed 31069529 (cited by Athena Diagnostics); PubMed 17159128 (cited by Athena Diagnostics and OMIM).

NM_015046.7(SETX):c.5927T>G (p.Leu1976Arg)

Gene: SETX (senataxin; minus strand). Cytogenetic location: 9q34.13.
Variant type: single nucleotide variant.
Coding change: c.5927T>G on transcript NM_015046.7 (MANE Select); coding-DNA position 5927, T replaced by G.
Protein change: p.Leu1976Arg; replaces leucine 1976 with arginine.
Molecular consequence: missense variant.
Genome position (GRCh38, 1-based): chr9:132,296,909, A>C on the plus strand (T>G on the coding strand, the complement: SETX is on the minus strand). VCF-style: chr9-132296909-A-C. GRCh37 (hg19) VCF-style: chr9-135172296-A-C.
Other names: c.5927T>G, p.Leu1976Arg (NM_001351527.2, NM_001351528.2); c.5927T>G (NM_015046.6); short protein forms L1976R.
Identifiers: ClinVar variation 2292 (VCV000002292.11), dbSNP rs121434379, ClinGen allele CA252189.